The following is an entry in ClinVar:

NM_001018071.4(FRMPD2):c.165T>C (p.Tyr55=)

Gene: FRMPD2 (FERM and PDZ domain containing 2; minus strand). Cytogenetic location: 10q11.22.
Variant type: single nucleotide variant.
Coding change: c.165T>C on transcript NM_001018071.4 (MANE Select); coding-DNA position 165, T replaced by C.
Protein change: p.Tyr55=; no amino-acid change (tyrosine 55 retained).
Molecular consequence: synonymous variant.
Genome position (GRCh38, 1-based): chr10:48,249,165, A>G on the plus strand (T>C on the coding strand, the complement: FRMPD2 is on the minus strand). VCF-style: chr10-48249165-A-G. GRCh37 (hg19) VCF-style: chr10-49457208-A-G.
Other names: c.159T>C, p.Tyr53= (NM_001318191.1).
Identifiers: ClinVar variation 2640445 (VCV002640445.24), dbSNP rs72792251, ClinGen allele CA5490534.

ClinVar aggregate classification (germline): Likely benign (1 of 4 stars; one submission).

Allele frequency attached by ClinVar (database versions not stated): 1000 Genomes Project 30x 0.00141; 1000 Genomes Project 0.00160; TOPMed 0.00193; ESP Exome Variant Server 0.00215; ExAC 0.00277; gnomAD 0.00285; gnomAD exomes 0.00349.
gnomAD v4.1: 5,447 of 1,613,998 alleles (0.34%); highest among the groups gnomAD compares: Non-Finnish European, 0.38%; 20 homozygotes.

Submission:

CeGaT Center for Human Genetics Tuebingen
Classification: Likely benign. Last evaluated: 2022-03-01. Review status: criteria provided, single submitter. Criteria: CeGaT Center For Human Genetics Tuebingen Variant Classification Criteria Version 2. Collection method: clinical testing. Allele origin: germline. Affected: yes. Observed: 1 variant allele.
Comment: FRMPD2: BP7, BS2